The following is an entry in ClinVar:

ClinVar aggregate classification (germline): Uncertain significance (1 of 4 stars; one submission).

Conditions:
Aortic aneurysm, familial thoracic 6 (AAT6). Also called: FAMILIAL THORACIC AORTIC ANEURYSM WITH LIVEDO RETICULARIS AND IRIS FLOCCULI. Identifiers: MedGen C2673186, MONDO:0012730, OMIM 611788.

Submission:

Labcorp Genetics (formerly Invitae), Labcorp
Classification: Uncertain significance for Aortic aneurysm, familial thoracic 6. Last evaluated: 2025-10-09. Review status: criteria provided, single submitter. Criteria: Invitae Variant Classification Sherloc (09022015). Collection method: clinical testing. Allele origin: germline.
Comment: This sequence change replaces aspartic acid, which is acidic and polar, with glutamic acid, which is acidic and polar, at codon 53 of the ACTA2 protein (p.Asp53Glu). This variant is not present in population databases (gnomAD no frequency). This variant has not been reported in the literature in individuals affected with ACTA2-related conditions. Invitae Evidence Modeling of protein sequence and biophysical properties (such as structural, functional, and spatial information, amino acid conservation, physicochemical variation, residue mobility, and thermodynamic stability) indicates that this missense variant is not expected to disrupt ACTA2 protein function with a negative predictive value of 80%. In summary, the available evidence is currently insufficient to determine the role of this variant in disease. Therefore, it has been classified as a Variant of Uncertain Significance.

NM_001613.4(ACTA2):c.159C>A (p.Asp53Glu)

Gene: ACTA2 (actin alpha 2, smooth muscle; minus strand). Cytogenetic location: 10q23.31.
Variant type: single nucleotide variant.
Coding change: c.159C>A on transcript NM_001613.4 (MANE Select); coding-DNA position 159, C replaced by A.
Protein change: p.Asp53Glu; replaces aspartic acid 53 with glutamic acid.
Molecular consequence: missense variant. On other transcripts: intron variant (3).
Genome position (GRCh38, 1-based): chr10:88,947,357, G>T on the plus strand (C>A on the coding strand, the complement: ACTA2 is on the minus strand). VCF-style: chr10-88947357-G-T. GRCh37 (hg19) VCF-style: chr10-90707114-G-T.
Other names: c.159C>A, p.Asp53Glu (NM_001141945.3, NM_001320855.2, NM_001406462.1 and 4 more transcripts); c.129+1445C>A (NM_001406467.1, NM_001406468.1, NM_001406469.1); short protein forms D53E.
Identifiers: ClinVar variation 4804634 (VCV004804634.1).